The following is an entry in ClinVar:

ClinVar aggregate classification (germline): Likely benign (0 of 4 stars; one submission).

Conditions:
ARHGEF4-related disorder. Also called: ARHGEF4-related condition.

Submission:

PreventionGenetics, part of Exact Sciences
Classification: Likely benign for ARHGEF4-related condition. Last evaluated: 2019-09-19. Review status: no assertion criteria provided. Collection method: clinical testing. Allele origin: germline.
Comment: This variant is classified as likely benign based on ACMG/AMP sequence variant interpretation guidelines (Richards et al. 2015 PMID: 25741868, with internal and published modifications).

NM_001367493.1(ARHGEF4):c.4422C>T (p.Val1474=)

Gene: ARHGEF4 (Rho guanine nucleotide exchange factor 4; plus strand). Cytogenetic location: 2q21.1.
Variant type: single nucleotide variant.
Coding change: c.4422C>T on transcript NM_001367493.1 (MANE Select); coding-DNA position 4422, C replaced by T.
Protein change: p.Val1474=; no amino-acid change (valine 1474 retained).
Molecular consequence: synonymous variant.
Genome position (GRCh38, 1-based): chr2:131,040,132, C>T. VCF-style: chr2-131040132-C-T. GRCh37 (hg19) VCF-style: chr2-131797705-C-T.
Other names: c.909C>T, p.Val303= (NM_001375900.1); c.753C>T, p.Val251= (NM_001375901.1); c.711C>T, p.Val237= (NM_001375902.1); c.654C>T, p.Val218= (NM_001375903.1); c.495C>T, p.Val165= (NM_001375904.1); c.243C>T, p.Val81= (NM_001395416.1); c.864C>T, p.Val288= (NM_015320.4).
Identifiers: ClinVar variation 3040604 (VCV003040604.2), dbSNP rs758288519, ClinGen allele CA429193779.